The following is an entry in ClinVar:

NM_001291303.3(FAT4):c.164A>G (p.Gln55Arg)

Gene: FAT4 (FAT atypical cadherin 4; plus strand). Cytogenetic location: 4q28.1.
Variant type: single nucleotide variant.
Coding change: c.164A>G on transcript NM_001291303.3 (MANE Select); coding-DNA position 164, A replaced by G.
Protein change: p.Gln55Arg; replaces glutamine 55 with arginine.
Molecular consequence: missense variant.
Genome position (GRCh38, 1-based): chr4:125,316,575, A>G. VCF-style: chr4-125316575-A-G. GRCh37 (hg19) VCF-style: chr4-126237730-A-G.
Other names: c.164A>G, p.Gln55Arg (NM_001291285.3, NM_024582.6); short protein forms Q55R.
Identifiers: ClinVar variation 2010189 (VCV002010189.4), dbSNP rs1378589321, ClinGen allele CA358115237.
Genomic context (GRCh38, chr4:125,316,575, plus strand): 5'-CGGGGCAGGCCTGGGTCCACGGGGCCGAGCCGCGCCAGGTGTTCCAAGTGCTGGAAGAGC[A>G]ACCTCCAGGCACTCTGGTAGGCACCATCCAGACGCGCCCCGGCTTCACCTACAGGCTCAG-3'
Protein context (NP_001278232.1, residues 45-65): PRQVFQVLEE[Gln55Arg]PPGTLVGTIQ

ClinVar aggregate classification (germline): Uncertain significance (1 of 4 stars; one submission).

Allele frequency attached by ClinVar (database versions not stated): gnomAD exomes 0.00005.

Submission:

Labcorp Genetics (formerly Invitae), Labcorp
Classification: Uncertain significance. Last evaluated: 2022-06-24. Review status: criteria provided, single submitter. Criteria: Invitae Variant Classification Sherloc (09022015). Collection method: clinical testing. Allele origin: germline.
Comment: In summary, the available evidence is currently insufficient to determine the role of this variant in disease. Therefore, it has been classified as a Variant of Uncertain Significance. Advanced modeling of protein sequence and biophysical properties (such as structural, functional, and spatial information, amino acid conservation, physicochemical variation, residue mobility, and thermodynamic stability) performed at Invitae indicates that this missense variant is not expected to disrupt FAT4 protein function. This variant has not been reported in the literature in individuals affected with FAT4-related conditions. This variant is not present in population databases (gnomAD no frequency). This sequence change replaces glutamine, which is neutral and polar, with arginine, which is basic and polar, at codon 55 of the FAT4 protein (p.Gln55Arg).